The following is an entry in ClinVar:

NM_002972.4(SBF1):c.622C>T (p.Arg208Cys)

Gene: SBF1 (SET binding factor 1; minus strand). Cytogenetic location: 22q13.33.
Variant type: single nucleotide variant.
Coding change: c.622C>T on transcript NM_002972.4 (MANE Select); coding-DNA position 622, C replaced by T.
Protein change: p.Arg208Cys; replaces arginine 208 with cysteine.
Molecular consequence: missense variant.
Genome position (GRCh38, 1-based): chr22:50,466,638, G>A on the plus strand (C>T on the coding strand, the complement: SBF1 is on the minus strand). VCF-style: chr22-50466638-G-A. GRCh37 (hg19) VCF-style: chr22-50905067-G-A.
Other names: c.625C>T, p.Arg209Cys (NM_001365819.1, NM_001410794.1); c.622C>T, p.Arg208Cys (NM_001410795.1, NM_197971.1); short protein forms R208C, R209C.
Identifiers: ClinVar variation 2416491 (VCV002416491.3), dbSNP rs777596406, ClinGen allele CA10318015.

ClinVar aggregate classification (germline): Uncertain significance (1 of 4 stars; one submission).

gnomAD v4.1: 22 of 1,552,532 alleles (0.0014%); highest among the groups gnomAD compares: South Asian, 0.0059%; no homozygotes.

Submission:

Labcorp Genetics (formerly Invitae), Labcorp
Classification: Uncertain significance. Last evaluated: 2022-08-07. Review status: criteria provided, single submitter. Criteria: Invitae Variant Classification Sherloc (09022015). Collection method: clinical testing. Allele origin: germline.
Comment: This sequence change replaces arginine, which is basic and polar, with cysteine, which is neutral and slightly polar, at codon 208 of the SBF1 protein (p.Arg208Cys). This variant is present in population databases (rs777596406, gnomAD 0.01%). This variant has not been reported in the literature in individuals affected with SBF1-related conditions. Algorithms developed to predict the effect of missense changes on protein structure and function output the following: SIFT: "Tolerated"; PolyPhen-2: "Benign"; Align-GVGD: "Class C0". The cysteine amino acid residue is found in multiple mammalian species, which suggests that this missense change does not adversely affect protein function. In summary, the available evidence is currently insufficient to determine the role of this variant in disease. Therefore, it has been classified as a Variant of Uncertain Significance.